The following is an entry in ClinVar:

ClinVar aggregate classification (germline): Uncertain significance (1 of 4 stars; one submission).

Allele frequency attached by ClinVar (database versions not stated): gnomAD exomes below 0.00001; TOPMed below 0.00001.
gnomAD v4.1: 2 of 1,566,072 alleles (0.00013%); highest among the groups gnomAD compares: Non-Finnish European, 0.000087%; no homozygotes.

Submission:

Labcorp Genetics (formerly Invitae), Labcorp
Classification: Uncertain significance. Last evaluated: 2022-01-15. Review status: criteria provided, single submitter. Criteria: Invitae Variant Classification Sherloc (09022015). Collection method: clinical testing. Allele origin: germline.
Comment: In summary, the available evidence is currently insufficient to determine the role of this variant in disease. Therefore, it has been classified as a Variant of Uncertain Significance. Algorithms developed to predict the effect of missense changes on protein structure and function (SIFT, PolyPhen-2, Align-GVGD) all suggest that this variant is likely to be tolerated. This variant has not been reported in the literature in individuals affected with PDE4D-related conditions. This variant is not present in population databases (gnomAD no frequency). This sequence change replaces proline, which is neutral and non-polar, with leucine, which is neutral and non-polar, at codon 144 of the PDE4D protein (p.Pro144Leu).

NM_001104631.2(PDE4D):c.431C>T (p.Pro144Leu)

Gene: PDE4D (phosphodiesterase 4D; minus strand). Cytogenetic location: 5q12.1.
Variant type: single nucleotide variant.
Coding change: c.431C>T on transcript NM_001104631.2 (MANE Select); coding-DNA position 431, C replaced by T.
Protein change: p.Pro144Leu; replaces proline 144 with leucine.
Molecular consequence: missense variant. On other transcripts: intron variant (5).
Genome position (GRCh38, 1-based): chr5:59,893,192, G>A on the plus strand (C>T on the coding strand, the complement: PDE4D is on the minus strand). VCF-style: chr5-59893192-G-A. GRCh37 (hg19) VCF-style: chr5-59189019-G-A.
Other names: c.272+95296C>T (NM_001364599.1, NM_001165899.2, NM_001364600.2); c.-240+95296C>T (NM_001349243.2); c.242+95296C>T (NM_001349241.2); short protein forms P144L.
Identifiers: ClinVar variation 2083645 (VCV002083645.4), dbSNP rs1751217482, ClinGen allele CA359932389.